The following is an entry in ClinVar:

ClinVar aggregate classification (germline): Pathogenic. Review status: criteria provided, multiple submitters, no conflicts (2 of 4 stars). 11 submissions from 11 submitters: Pathogenic (9). 2 of the submissions do not count toward it. Last evaluated 2026-02-03.

Conditions:
AIRE-related disorder. Also called: AIRE-related condition.
Polyglandular autoimmune syndrome, type 1 (APS1). Also called: Whitaker syndrome; AUTOIMMUNE POLYENDOCRINE SYNDROME, TYPE I, WITH OR WITHOUT REVERSIBLE METAPHYSEAL DYSPLASIA; Autoimmune polyendocrinopathy syndrome, type I; PGA I; Autoimmune polyendocrinopathy syndrome , type I, with or without reversible metaphyseal dysplasia; APS I. Identifiers: Orphanet 3453, MedGen C0085859, MONDO:0009411, OMIM 240300.

Allele frequency attached by ClinVar (database versions not stated): TOPMed 0.00004.

Submissions (11):

Otogenetics
Classification: Pathogenic for Polyglandular autoimmune syndrome, type 1. Last evaluated: 2026-02-03. Review status: criteria provided, single submitter. Criteria: ACMG Guidelines, 2015. Collection method: clinical testing. Allele origin: germline.
Comment: PVS1: Stop gain variant introduces premature stop codon in gene with loss of function as mechanism of disease, predicted to undergo NMD; PM2: Maximum gnomAD MAF of 0.0071% in African (AFR) subpopulation (<0.13% threshold); PM3_Strong: Variant reported in homozygous state in numerous affected individuals and reported in trans with four pathogenic variants in five individuals affected with Autoimmune polyendocrinopathy syndrome (PMID: 34003463)

Labcorp Genetics (formerly Invitae), Labcorp
Classification: Pathogenic for Polyglandular autoimmune syndrome, type 1. Last evaluated: 2026-01-11. Review status: criteria provided, single submitter. Criteria: Invitae Variant Classification Sherloc (09022015). Collection method: clinical testing. Allele origin: germline.
Comment: This sequence change creates a premature translational stop signal (p.Arg139*) in the AIRE gene. It is expected to result in an absent or disrupted protein product. Loss-of-function variants in AIRE are known to be pathogenic (PMID: 11524731, 26141571). This variant is present in population databases (rs121434256, gnomAD 0.007%). This premature translational stop signal has been observed in individuals with autosomal recessive autoimmune polyendocrinopathy-candidiasis-ectodermal dystrophy (APECED) (PMID: 9856486, 22024611). ClinVar contains an entry for this variant (Variation ID: 3310). For these reasons, this variant has been classified as Pathogenic.

Natera, Inc.
Classification: Pathogenic for Polyglandular autoimmune syndrome type 1. Last evaluated: 2025-12-17. Review status: criteria provided, single submitter. Criteria: Natera Variant Classification Schema (03/2026). Collection method: clinical testing. Allele origin: germline.
Comment: The c.415C>T variant in AIRE is a nonsense variant predicted to introduce a stop codon at amino acid 139. This variant is expected to result in nonsense mediated decay, truncation, or a dysfunctional protein product. This variant is rare in the general population with a frequency below the threshold expected for the associated phenotype(s). This variant has been observed in one or more individuals affected with the associated recessive disease, as either homozygous or compound heterozygous with a second variant (PMID: 28446514, 16166780). Given the available evidence, this variant is classified as Pathogenic.

National Institute of Allergy and Infectious Diseases - Centralized Sequencing Program, National Institutes of Health
Classification: Pathogenic for APECED. Last evaluated: 2023-09-14. Review status: criteria provided, single submitter. Criteria: ACMG Guidelines, 2015. Collection method: clinical testing. Allele origin: germline. Affected: yes.

Mendelics
Classification: Pathogenic for Polyglandular autoimmune syndrome, type 1. Last evaluated: 2022-05-04. Review status: criteria provided, single submitter. Criteria: Mendelics Assertion Criteria 2019. Collection method: clinical testing. Allele origin: germline.

Blueprint Genetics
Classification: Pathogenic for AIRE-related disorders. Last evaluated: 2021-08-05. Review status: criteria provided, single submitter. Criteria: ACMG Guidelines, 2015. Collection method: clinical testing. Allele origin: germline. Affected: yes. Observed: 2 variant alleles.

Women's Health and Genetics/Laboratory Corporation of America, LabCorp
Classification: Pathogenic for Polyglandular autoimmune syndrome, type 1. Last evaluated: 2019-09-05. Review status: criteria provided, single submitter. Criteria: LabCorp Variant Classification Summary - May 2015. Collection method: clinical testing. Allele origin: germline.
Comment: Variant summary: AIRE c.415C>T (p.Arg139X) results in a premature termination codon, predicted to cause a truncation of the encoded protein or absence of the protein due to nonsense mediated decay, which are commonly known mechanisms for disease. The variant allele was found at a frequency of 2.5e-05 in 242012 control chromosomes (gnomAD). c.415C>T has been reported in the literature in multiple homozygous- and compound heterozygous individuals affected with Autoimmune Polyglandular Syndrome Type 1 (e.g. Rosatelli_1998, Zaidi_2017). The variant has been found predominantly in individuals and families of Italian (Sardinian) origin therefore, suggesting it is a founder mutation. These data indicate that the variant is very likely to be associated with disease. To our knowledge, no experimental evidence demonstrating an impact on protein function has been reported. A ClinVar submission (evaluation after 2014) cites the variant as pathogenic. Based on the evidence outlined above, the variant was classified as pathogenic.

GeneDx
Classification: Pathogenic. Last evaluated: 2016-11-30. Review status: criteria provided, single submitter. Criteria: GeneDx Variant Classification (06012015). Collection method: clinical testing. Allele origin: germline. Affected: yes.
Comment: The R139X nonsense variant has been reported previously in association with APECED (Rosatelli et al., 1998; Giordano et al., 2012). This variant is predicted to cause loss of normal protein function either through protein truncation or nonsense-mediated mRNA decay. Additionally, the variant was not observed in approximately 6,500 individuals of European and African American ancestry in the NHLBI Exome Sequencing Project, indicating it is not a common benign variant in these populations. Therefore, we consider the variant to be pathogenic.

Eurofins Ntd Llc (ga)
Classification: Pathogenic. Last evaluated: 2014-10-14. Review status: criteria provided, single submitter. Criteria: EGL Classification Definitions 2015. Collection method: clinical testing. Allele origin: germline.

Counsyl
Classification: Pathogenic for Polyglandular autoimmune syndrome, type 1. Last evaluated: 2014-05-21. Review status: no assertion criteria provided. Collection method: literature only. Allele origin: unknown. Inheritance: Autosomal recessive inheritance. Not counted in ClinVar's aggregate classification.

OMIM
Classification: Pathogenic for AUTOIMMUNE POLYENDOCRINOPATHY SYNDROME, TYPE I. Last evaluated: 2009-11-01. Review status: no assertion criteria provided. Collection method: literature only. Allele origin: germline. Not counted in ClinVar's aggregate classification.

Literature cited by the submitters: PubMed 34003463 (cited by Otogenetics); PubMed 11524731 (cited by Labcorp Genetics (formerly Invitae), Labcorp); PubMed 26141571 (cited by Labcorp Genetics (formerly Invitae), Labcorp); PubMed 9856486 (cited by 5 submitters); PubMed 22024611 (cited by Labcorp Genetics (formerly Invitae), Labcorp and National Institute of Allergy and Infectious Diseases - Centralized Sequencing Program, National Institutes of Health); PubMed 28446514 (cited by Natera, Inc. and Women's Health and Genetics/Laboratory Corporation of America, LabCorp); PubMed 16166780 (cited by 3 submitters); PubMed 19807739 (cited by Counsyl and OMIM); PubMed 18616706 (cited by Counsyl).

NM_000383.4(AIRE):c.415C>T (p.Arg139Ter)

Gene: AIRE (autoimmune regulator; plus strand). Cytogenetic location: 21q22.3.
Variant type: single nucleotide variant.
Coding change: c.415C>T on transcript NM_000383.4 (MANE Select); coding-DNA position 415, C replaced by T.
Protein change: p.Arg139Ter; replaces arginine 139 with a stop codon.
Molecular consequence: nonsense.
Genome position (GRCh38, 1-based): chr21:44,287,085, C>T. VCF-style: chr21-44287085-C-T. GRCh37 (hg19) VCF-style: chr21-45706968-C-T.
Other names: c.415C>T, p.Arg139Ter (LRG_18t1); short protein forms R139*.
Identifiers: ClinVar variation 3310 (VCV000003310.24), dbSNP rs121434256, ClinGen allele CA116140.
Genomic context (GRCh38, chr21:44,287,085, plus strand): 5'-CCCAAGGCTTTGGTACCGCCACCCAGACTCCCCACCAAGAGGAAGGCCTCAGAAGAGGCT[C>T]GAGCTGCCGCGCCAGCAGCCCTGACTCCAAGGGGCACCGCCAGCCCAGGTACCCTCCCTG-3'